The following is an entry in ClinVar:

NM_018906.3(PCDHA3):c.182C>A (p.Pro61Gln)

Genes: PCDHA1 (protocadherin alpha 1; plus strand), PCDHA2 (protocadherin alpha 2; plus strand), PCDHA3 (protocadherin alpha 3; plus strand), PCDHA@ (protocadherin alpha cluster, complex locus; plus strand). Cytogenetic location: 5q31.3.
Variant type: single nucleotide variant.
Coding change: c.182C>A on transcript NM_018906.3 (MANE Select); coding-DNA position 182, C replaced by A.
Protein change: p.Pro61Gln; replaces proline 61 with glutamine.
Molecular consequence: missense variant. On other transcripts: intron variant (4).
Genome position (GRCh38, 1-based): chr5:140,801,379, C>A. VCF-style: chr5-140801379-C-A. GRCh37 (hg19) VCF-style: chr5-140180964-C-A.
Other names: c.182C>A, p.Pro61Gln (NM_031497.2); c.2394+12695C>A (NM_018900.4); c.1602+13487C>A (NM_031411.3); c.2388+4027C>A (NM_018905.3); c.2389-3681C>A (NM_031496.2); short protein forms P61Q.
Identifiers: ClinVar variation 3056261 (VCV003056261.2), dbSNP rs7731327, ClinGen allele CA3446205.

ClinVar aggregate classification (germline): Benign (0 of 4 stars; one submission).

Conditions:
PCDHA3-related disorder. Also called: PCDHA3-related condition.

Allele frequency attached by ClinVar (database versions not stated): ExAC 0.01713; TOPMed 0.06083; ESP Exome Variant Server 0.06111; gnomAD 0.05423; 1000 Genomes Project 30x 0.06230; 1000 Genomes Project 0.05691.
gnomAD v4.1: 16,021 of 1,613,474 alleles (0.99%); highest among the groups gnomAD compares: African/African-American, 19%; 1,346 homozygotes.

Submission:

PreventionGenetics, part of Exact Sciences
Classification: Benign for PCDHA3-related condition. Last evaluated: 2019-12-27. Review status: no assertion criteria provided. Collection method: clinical testing. Allele origin: germline.
Comment: This variant is classified as benign based on ACMG/AMP sequence variant interpretation guidelines (Richards et al. 2015 PMID: 25741868, with internal and published modifications).